The following is an entry in ClinVar:

ClinVar aggregate classification (germline): Benign. Review status: criteria provided, multiple submitters, no conflicts (2 of 4 stars). 26 submissions from 26 submitters: Benign (16). 10 of the submissions do not count toward it. Last evaluated 2026-02-04.

Conditions:
Breast and/or ovarian cancer. Identifiers: MedGen CN221562.
Hereditary cancer-predisposing syndrome. Also called: Neoplastic Syndromes, Hereditary; Hereditary Cancer Syndrome; Hereditary neoplastic syndrome; Tumor predisposition. Identifiers: Orphanet 140162, MedGen C0027672, MeSH D009386, MONDO:0015356.
Hereditary breast ovarian cancer syndrome. Also called: Hereditary breast and ovarian cancer syndrome; Hereditary breast and/or ovarian cancer syndrome; BRCA1- and BRCA2-Associated Hereditary Breast and Ovarian Cancer; Hereditary breast and ovarian cancer; Breast and ovarian cancer; Hereditary breast and ovarian cancer syndrome (HBOC). Identifiers: Orphanet 145, MedGen C0677776, MeSH D061325, MONDO:0003582. Disease mechanism: loss of function.
Familial cancer of breast. Also called: Hereditary breast cancer; hereditary breast carcinoma; BREAST CANCER, FAMILIAL. Identifiers: Orphanet 227535, MedGen C0346153, MONDO:0016419, OMIM 114480. Disease mechanism: loss of function.
Ataxia-telangiectasia syndrome (AT). Also called: Cerebello-oculocutaneous telangiectasia; Immunodeficiency with ataxia telangiectasia; Ataxia-telangiectasia, complementation group D; AT, COMPLEMENTATION GROUP C; ATAXIA-TELANGIECTASIA, FRESNO VARIANT; ATAXIA-TELANGIECTASIA, COMPLEMENTATION GROUP A. Identifiers: Orphanet 100, MedGen C0004135, MONDO:0008840, OMIM 208900.
Malignant tumor of breast. Also called: Malignant breast neoplasm; Cancer breast. Identifiers: MedGen C0006142, MONDO:0007254. Disease mechanism: loss of function.

Allele frequency attached by ClinVar (database versions not stated): gnomAD exomes 0.00355; ExAC 0.00461; gnomAD 0.01298 and 0.01393; TOPMed 0.01517; ESP Exome Variant Server 0.01608; 1000 Genomes Project 0.01637; 1000 Genomes Project 30x 0.01686.
gnomAD v4.1: 3,924 of 1,614,020 alleles (0.24%); highest among the groups gnomAD compares: African/African-American, 4.4%; 91 homozygotes.

Submissions (26):

Labcorp Genetics (formerly Invitae), Labcorp
Classification: Benign for Ataxia-telangiectasia syndrome. Last evaluated: 2026-02-04. Review status: criteria provided, single submitter. Criteria: Invitae Variant Classification Sherloc (09022015). Collection method: clinical testing. Allele origin: germline.

ARUP Laboratories, Molecular Genetics and Genomics, ARUP Laboratories
Classification: Benign. Last evaluated: 2025-07-07. Review status: criteria provided, single submitter. Criteria: ARUP Molecular Germline Variant Investigation Process 2024. Collection method: clinical testing. Allele origin: germline.

Center for Genomic Medicine, Rigshospitalet, Copenhagen University Hospital
Classification: Benign. Last evaluated: 2025-03-04. Review status: criteria provided, single submitter. Criteria: ACMG Guidelines, 2015. Collection method: clinical testing. Allele origin: germline.

Mayo Clinic Laboratories, Mayo Clinic
Classification: Benign. Last evaluated: 2024-11-12. Review status: criteria provided, single submitter. Criteria: ACMG Guidelines, 2015. Collection method: clinical testing. Allele origin: germline. Observed: 14 variant alleles.
Comment: BA1, BP4, BP7

Myriad Genetics, Inc.
Classification: Benign for Familial cancer of breast. Last evaluated: 2024-05-10. Review status: criteria provided, single submitter. Criteria: Myriad Autosomal Dominant, Autosomal Recessive and X-Linked Classification Criteria (2023). Collection method: clinical testing. Allele origin: unknown.
Comment: This variant is considered benign. This variant is a silent/synonymous amino acid change and it is not expected to impact splicing.

KCCC/NGS Laboratory, Kuwait Cancer Control Center
Classification: Benign for Familial cancer of breast. Last evaluated: 2023-07-07. Review status: criteria provided, single submitter. Criteria: ACMG Guidelines, 2015. Collection method: clinical testing. Allele origin: germline. Affected: yes.

National Health Laboratory Service, Universitas Academic Hospital and University of the Free State
Classification: Benign for Hereditary breast ovarian cancer syndrome. Last evaluated: 2022-04-19. Review status: criteria provided, single submitter. Criteria: ACMG Guidelines, 2015. Collection method: clinical testing. Allele origin: germline. Affected: yes. Observed: 9 variant alleles.

CHEO Genetics Diagnostic Laboratory, Children's Hospital of Eastern Ontario
Classification: Benign for Breast and/or ovarian cancer. Last evaluated: 2021-07-02. Review status: criteria provided, single submitter. Criteria: ACMG Guidelines, 2015. Collection method: clinical testing. Allele origin: germline.

Sema4
Classification: Benign for Hereditary cancer-predisposing syndrome. Last evaluated: 2020-03-22. Review status: criteria provided, single submitter. Criteria: Sema4 Curation Guidelines. Collection method: curation. Allele origin: germline.

Athena Diagnostics
Classification: Benign. Last evaluated: 2018-05-30. Review status: criteria provided, single submitter. Criteria: Athena Diagnostics Criteria. Collection method: clinical testing. Allele origin: germline.

Illumina Laboratory Services, Illumina
Classification: Benign for Ataxia-telangiectasia syndrome. Last evaluated: 2018-01-12. Review status: criteria provided, single submitter. Criteria: ICSL Variant Classification Criteria 13 December 2019. Collection method: clinical testing. Allele origin: germline.
Comment: This variant was observed in the ICSL laboratory as part of a predisposition screen in an ostensibly healthy population. It had not been previously curated by ICSL or reported in the Human Gene Mutation Database (HGMD: prior to June 1st, 2018), and was therefore a candidate for classification through an automated scoring system. Utilizing variant allele frequency, disease prevalence and penetrance estimates, and inheritance mode, an automated score was calculated to assess if this variant is too frequent to cause the disease. Based on the score and internal cut-off values, a variant classified as benign is not then subjected to further curation. The score for this variant resulted in a classification of benign for this disease.

PreventionGenetics, part of Exact Sciences
Classification: Benign. Last evaluated: 2016-10-21. Review status: criteria provided, single submitter. Criteria: ACMG Guidelines, 2015. Collection method: clinical testing. Allele origin: germline.

Color Diagnostics, LLC DBA Color Health
Classification: Benign for Hereditary cancer-predisposing syndrome. Last evaluated: 2015-04-08. Review status: criteria provided, single submitter. Criteria: ACMG Guidelines, 2015. Collection method: clinical testing. Allele origin: germline.

GeneDx
Classification: Benign. Last evaluated: 2015-03-03. Review status: criteria provided, single submitter. Criteria: GeneDx Variant Classification Process June 2021. Collection method: clinical testing. Allele origin: germline. Affected: yes.
Comment: This variant is associated with the following publications: (PMID: 17333338)

Ambry Genetics
Classification: Benign for Hereditary cancer-predisposing syndrome. Last evaluated: 2014-11-25. Review status: criteria provided, single submitter. Criteria: Ambry Variant Classification Scheme 2023. Collection method: clinical testing. Allele origin: germline.

Breakthrough Genomics
Classification: Benign. Review status: criteria provided, single submitter. Criteria: ACMG Guidelines, 2015. Collection method: not provided. Allele origin: germline. Inheritance: Autosomal recessive inheritance. Affected: yes.

Natera, Inc.
Classification: Benign for Ataxia-telangiectasia. Last evaluated: 2020-09-16. Review status: no assertion criteria provided. Collection method: clinical testing. Allele origin: germline. Not counted in ClinVar's aggregate classification.

True Health Diagnostics
Classification: Likely benign for Hereditary cancer-predisposing syndrome. Last evaluated: 2018-06-18. Review status: no assertion criteria provided. Collection method: clinical testing. Allele origin: germline. Not counted in ClinVar's aggregate classification.

Clinical Genetics Laboratory, Department of Pathology, Netherlands Cancer Institute
Classification: Benign. Review status: no assertion criteria provided. Collection method: clinical testing. Allele origin: germline. Affected: yes. Study: VKGL Data-share Consensus. Not counted in ClinVar's aggregate classification.

Clinical Genetics, Academic Medical Center
Classification: Benign. Review status: no assertion criteria provided. Collection method: clinical testing. Allele origin: germline. Affected: yes. Study: VKGL Data-share Consensus. Not counted in ClinVar's aggregate classification.

Department of Pathology and Laboratory Medicine, Sinai Health System
Classification: Benign for Malignant tumor of breast. Review status: no assertion criteria provided. Collection method: clinical testing. Allele origin: unknown. Affected: yes. Study: The Canadian Open Genetics Repository (COGR). Not counted in ClinVar's aggregate classification.
Comment: The ATM p.Leu895= variant was identified in 1 of 502 proband chromosomes (frequency: 0.002) from individuals or families with breast cancer or leukemia and was not identified in 396 control chromosomes from healthy individuals (Meier 2005, Austen 2008). The variant was also identified in the following databases: dbSNP (ID: rs3218687) as â€šÃ„ÃºWith other alleleâ€šÃ„Ã¹, in ClinVar (classified 2x as benign, 1x as likely benign), Clinvitae (classified 1x as benign, 1x as conflicting interpretations of pathogenicity), and Cosmic (1x as neutral). The variant was not identified in the MutDB, LOVD 3.0, or ATM-LOVD databases. The variant was identified in control databases in 1217 of 277096 (32 homozygous) chromosomes at a frequency of 0.004 increasing the likelihood this could be a low frequency benign variant (Genome Aggregation Consortium Feb 27, 2017). The variant was identified in the following populations at a frequency greater than 1%: African in 1105 of 24026 chromosomes (freq: 0.046). The p.Leu895= variant is not expected to have clinical significance because it does not result in a change of amino acid and is not located in a known consensus splice site. In addition, in silico or computational prediction software programs (SpliceSiteFinder, MaxEntScan, NNSPLICE, GeneSplicer, HumanSpliceFinder) do not predict a difference in splicing. In summary, based on the above information this variant meets our laboratory's criteria to be classified as benign.

Diagnostic Laboratory, Department of Genetics, University Medical Center Groningen
Classification: Benign. Review status: no assertion criteria provided. Collection method: clinical testing. Allele origin: germline. Affected: yes. Study: VKGL Data-share Consensus. Not counted in ClinVar's aggregate classification.

Genome Diagnostics Laboratory, Amsterdam University Medical Center
Classification: Benign. Review status: no assertion criteria provided. Collection method: clinical testing. Allele origin: germline. Affected: yes. Study: VKGL Data-share Consensus. Not counted in ClinVar's aggregate classification.

Genome Diagnostics Laboratory, University Medical Center Utrecht
Classification: Benign. Review status: no assertion criteria provided. Collection method: clinical testing. Allele origin: germline. Affected: yes. Study: VKGL Data-share Consensus. Not counted in ClinVar's aggregate classification.

Joint Genome Diagnostic Labs from Nijmegen and Maastricht, Radboudumc and MUMC+
Classification: Benign. Review status: no assertion criteria provided. Collection method: clinical testing. Allele origin: germline. Affected: yes. Study: VKGL Data-share Consensus. Not counted in ClinVar's aggregate classification.

Laboratory of Diagnostic Genome Analysis, Leiden University Medical Center (LUMC)
Classification: Likely benign. Review status: no assertion criteria provided. Collection method: clinical testing. Allele origin: germline. Affected: yes. Study: VKGL Data-share Consensus. Not counted in ClinVar's aggregate classification.

NM_000051.4(ATM):c.2685A>G (p.Leu895=)

Gene: ATM (ATM serine/threonine kinase; plus strand). Cytogenetic location: 11q22.3.
Variant type: single nucleotide variant.
Coding change: c.2685A>G on transcript NM_000051.4 (MANE Select); coding-DNA position 2685, A replaced by G.
Protein change: p.Leu895=; no amino-acid change (leucine 895 retained).
Molecular consequence: synonymous variant.
Genome position (GRCh38, 1-based): chr11:108,268,456, A>G. VCF-style: chr11-108268456-A-G. GRCh37 (hg19) VCF-style: chr11-108139183-A-G.
Other names: NP_000042.3:p.Leu895=; p.Leu895=; c.2685A>G, p.Leu895= (NM_001351834.2).
Identifiers: ClinVar variation 140770 (VCV000140770.53), dbSNP rs3218687, ClinGen allele CA163524.